The following is an entry in ClinVar:

ClinVar aggregate classification (germline): Uncertain significance (1 of 4 stars; one submission).

Conditions:
CTCF-related neurodevelopmental disorder. Also called: Intellectual disability-feeding difficulties-developmental delay-microcephaly syndrome; INTELLECTUAL DEVELOPMENTAL DISORDER, AUTOSOMAL DOMINANT 21. Identifiers: Orphanet 363611, MedGen C3809686, MONDO:0014213, OMIM 615502.

Submission:

Baylor Genetics
Classification: Uncertain significance for CTCF-related neurodevelopmental disorder. Last evaluated: 2020-05-27. Review status: criteria provided, single submitter. Criteria: ACMG Guidelines, 2015. Collection method: clinical testing. Allele origin: unknown. Affected: yes.
Comment: This variant was determined to be of uncertain significance according to ACMG Guidelines, 2015 [PMID:25741868].

NM_006565.4(CTCF):c.313G>A (p.Glu105Lys)

Gene: CTCF (CCCTC-binding factor; plus strand). Cytogenetic location: 16q22.1.
Variant type: single nucleotide variant.
Coding change: c.313G>A on transcript NM_006565.4 (MANE Select); coding-DNA position 313, G replaced by A.
Protein change: p.Glu105Lys; replaces glutamic acid 105 with lysine.
Molecular consequence: missense variant. On other transcripts: intron variant (1).
Genome position (GRCh38, 1-based): chr16:67,611,145, G>A. VCF-style: chr16-67611145-G-A. GRCh37 (hg19) VCF-style: chr16-67645048-G-A.
Other names: c.313G>A, p.Glu105Lys (NM_001363916.2); c.-32-5600G>A (NM_001191022.2); short protein forms E105K.
Identifiers: ClinVar variation 1031055 (VCV001031055.1), dbSNP rs2052056554, ClinGen allele CA396304217.